The following is an entry in ClinVar:

ClinVar aggregate classification (germline): Uncertain significance. Review status: criteria provided, multiple submitters, no conflicts (2 of 4 stars). 4 submissions from 4 submitters: Uncertain significance (3). 1 of the submissions does not count toward it. Last evaluated 2025-11-15.

Conditions:
Glycogen storage disease due to muscle beta-enolase deficiency (GSD13). Also called: ENOLASE 3 DEFICIENCY; ENOLASE-BETA DEFICIENCY; GSD XIII; Glycogen Storage Disease Type XIII. Identifiers: Orphanet 99849, MedGen C2752027, MONDO:0013046, OMIM 612932.

Allele frequency attached by ClinVar (database versions not stated): TOPMed 0.00003; ExAC 0.00006; gnomAD 0.00006; gnomAD exomes 0.00007.
gnomAD v4.1: 108 of 1,613,266 alleles (0.0067%); highest among the groups gnomAD compares: South Asian, 0.012%; 1 homozygote.

Submissions (5):

Labcorp Genetics (formerly Invitae), Labcorp
Classification: Uncertain significance for Glycogen storage disease due to muscle beta-enolase deficiency. Last evaluated: 2025-11-15. Review status: criteria provided, single submitter. Criteria: Invitae Variant Classification Sherloc (09022015). Collection method: clinical testing. Allele origin: germline.
Comment: This sequence change replaces asparagine, which is neutral and polar, with serine, which is neutral and polar, at codon 151 of the ENO3 protein (p.Asn151Ser). This variant is present in population databases (rs560867570, gnomAD 0.01%). This missense change has been observed in individual(s) with glycogen storage disease type XIII (PMID: 25267339). ClinVar contains an entry for this variant (Variation ID: 324141). Invitae Evidence Modeling of protein sequence and biophysical properties (such as structural, functional, and spatial information, amino acid conservation, physicochemical variation, residue mobility, and thermodynamic stability) indicates that this missense variant is not expected to disrupt ENO3 protein function with a negative predictive value of 80%. In summary, the available evidence is currently insufficient to determine the role of this variant in disease. Therefore, it has been classified as a Variant of Uncertain Significance.

CENTOGENE GmbH and LLC - Guiding Precision Medicine
Classification: Uncertain significance for Glycogen storage disease due to muscle beta-enolase deficiency. Last evaluated: 2020-11-19. Review status: criteria provided, single submitter. Criteria: ACMG Guidelines, 2015. Collection method: clinical testing. Allele origin: germline.

GeneDx
Classification: Uncertain significance. Last evaluated: 2020-03-05. Review status: criteria provided, single submitter. Criteria: GeneDx Variant Classification Process June 2021. Collection method: clinical testing. Allele origin: germline. Affected: yes.
Comment: In silico analysis supports that this missense variant has a deleterious effect on protein structure/function; This variant is associated with the following publications: (PMID: 25267339)

OMIM
Classification: Pathogenic for GLYCOGEN STORAGE DISEASE XIII. Last evaluated: 2021-09-24. Review status: no assertion criteria provided. Collection method: literature only. Allele origin: germline. Not counted in ClinVar's aggregate classification.

Dr. Peter K. Rogan Lab, Western University
No classification provided (evidence only). Condition: Malignant tumor of esophagus. Review status: no classification provided. Collection method: in vitro. Allele origin: not applicable. Functional consequence: retained intron. Not counted in ClinVar's aggregate classification.

Literature cited by the submitters: PubMed 25267339 (cited by Labcorp Genetics (formerly Invitae), Labcorp and OMIM).

NM_053013.4(ENO3):c.452A>G (p.Asn151Ser)

Gene: ENO3 (enolase 3; plus strand). Cytogenetic location: 17p13.2.
Variant type: single nucleotide variant.
Coding change: c.452A>G on transcript NM_053013.4 (MANE Select); coding-DNA position 452, A replaced by G.
Protein change: p.Asn151Ser; replaces asparagine 151 with serine.
Molecular consequence: missense variant.
Genome position (GRCh38, 1-based): chr17:4,955,082, A>G. VCF-style: chr17-4955082-A-G. GRCh37 (hg19) VCF-style: chr17-4858377-A-G.
Other names: c.452A>G, p.Asn151Ser (NM_001374523.1, NM_001976.5); c.323A>G, p.Asn108Ser (NM_001193503.2); c.479A>G, p.Asn160Ser (NM_001374524.1); c.452A>G (NM_001976.4); short protein forms N151S, N108S, N160S.
Identifiers: ClinVar variation 324141 (VCV000324141.15), dbSNP rs560867570, ClinGen allele CA8316323.